The following is an entry in ClinVar:

ClinVar aggregate classification (germline): Uncertain significance. Review status: criteria provided, multiple submitters, no conflicts (2 of 4 stars). 6 submissions from 6 submitters: Uncertain significance (6). Last evaluated 2026-07-01.

Conditions:
Autosomal recessive ataxia, Beauce type. Also called: SYNE1-Related Autosomal Recessive Cerebellar Ataxia; SYNE1 Deficiency; ATAXIA, RECESSIVE, OF BEAUCE; Spinocerebellar ataxia, autosomal recessive 8. Identifiers: Orphanet 88644, MedGen C1853116, MONDO:0012549, OMIM 610743.
Emery-Dreifuss muscular dystrophy 4, autosomal dominant (EDMD4). Also called: EMERY-DREIFUSS MUSCULAR DYSTROPHY 4 WITH VARIABLE FEATURES. Identifiers: Orphanet 261, MedGen C2751807, MONDO:0013071, OMIM 612998.
Arthrogryposis multiplex congenita 3, myogenic type. Also called: ARTHROGRYPOSIS MULTIPLEX CONGENITA, MYOGENIC TYPE. Identifiers: MedGen C5193121, MONDO:0032778, OMIM 618484.

Allele frequency attached by ClinVar (database versions not stated): gnomAD exomes 0.00005 and 0.00012; gnomAD 0.00006 and 0.00008; TOPMed 0.00008; ExAC 0.00009.
gnomAD v4.1: 84 of 1,614,006 alleles (0.0052%); highest among the groups gnomAD compares: Admixed American, 0.055%; no homozygotes.

Submissions (6):

CeGaT Center for Human Genetics Tuebingen
Classification: Uncertain significance. Last evaluated: 2026-07-01. Review status: criteria provided, single submitter. Criteria: CeGaT Center For Human Genetics Tuebingen Variant Classification Criteria Version 2. Collection method: clinical testing. Allele origin: germline. Affected: yes. Observed: 1 variant allele.
Comment: SYNE1: PM2

Labcorp Genetics (formerly Invitae), Labcorp
Classification: Uncertain significance for Emery-Dreifuss muscular dystrophy 4, autosomal dominant; Autosomal recessive ataxia, Beauce type. Last evaluated: 2025-11-12. Review status: criteria provided, single submitter. Criteria: Invitae Variant Classification Sherloc (09022015). Collection method: clinical testing. Allele origin: germline.
Comment: This sequence change replaces arginine, which is basic and polar, with glutamine, which is neutral and polar, at codon 8593 of the SYNE1 protein (p.Arg8593Gln). This variant is present in population databases (rs774776856, gnomAD 0.07%). This variant has not been reported in the literature in individuals affected with SYNE1-related conditions. ClinVar contains an entry for this variant (Variation ID: 805573). An algorithm developed to predict the effect of missense changes on protein structure and function (PolyPhen-2) suggests that this variant is likely to be disruptive. In summary, the available evidence is currently insufficient to determine the role of this variant in disease. Therefore, it has been classified as a Variant of Uncertain Significance.

GeneDx
Classification: Uncertain significance. Last evaluated: 2025-03-19. Review status: criteria provided, single submitter. Criteria: GeneDx Variant Classification Process June 2021. Collection method: clinical testing. Allele origin: germline. Affected: yes.
Comment: In silico analysis supports that this missense variant has a deleterious effect on protein structure/function; Reported as a maternally inherited variant of uncertain significance in the heterozygous state in a patient with global developmental delay, muscle hypotrophy, autism, scoliosis, and epilepsy (PMID: 37405542); This variant is associated with the following publications: (PMID: 37405542)

Department of Clinical Genetics, Medical University of Lodz
Classification: Uncertain significance for Emery-Dreifuss muscular dystrophy 4, autosomal dominant. Last evaluated: 2023-07-27. Review status: criteria provided, single submitter. Criteria: ACMG Guidelines, 2015. Collection method: literature only. Allele origin: germline. Inheritance: Autosomal dominant inheritance. Affected: yes. Observed: 1 variant allele.

Athena Diagnostics
Classification: Uncertain significance. Last evaluated: 2021-12-16. Review status: criteria provided, single submitter. Criteria: Athena Diagnostics Criteria. Collection method: clinical testing. Allele origin: unknown.

Institute of Human Genetics, University of Leipzig Medical Center
Classification: Uncertain significance for Arthrogryposis multiplex congenita 3, myogenic type. Last evaluated: 2019-01-01. Review status: criteria provided, single submitter. Criteria: ACMG Guidelines, 2015. Collection method: clinical testing. Allele origin: unknown. Affected: yes.

Literature cited by the submitters: DOI 10.1007/s10048-023-00724-w (cited by Department of Clinical Genetics, Medical University of Lodz).

NM_182961.4(SYNE1):c.25922G>A (p.Arg8641Gln)

Gene: SYNE1 (spectrin repeat containing nuclear envelope protein 1; minus strand). Cytogenetic location: 6q25.2.
Variant type: single nucleotide variant.
Coding change: c.25922G>A on transcript NM_182961.4 (MANE Select); coding-DNA position 25922, G replaced by A.
Protein change: p.Arg8641Gln; replaces arginine 8641 with glutamine.
Molecular consequence: missense variant.
Genome position (GRCh38, 1-based): chr6:152,133,355, C>T on the plus strand (G>A on the coding strand, the complement: SYNE1 is on the minus strand). VCF-style: chr6-152133355-C-T. GRCh37 (hg19) VCF-style: chr6-152454490-C-T.
Other names: c.2528G>A, p.Arg843Gln (NM_001347701.2); c.2456G>A, p.Arg819Gln (NM_001347702.2); c.25778G>A, p.Arg8593Gln (NM_033071.5); c.25778G>A (NM_033071.3); short protein forms R819Q, R843Q, R8641Q, R8593Q.
Identifiers: ClinVar variation 805573 (VCV000805573.12), dbSNP rs774776856, ClinGen allele CA4052713.
Genomic context (GRCh38, chr6:152,133,355, plus strand): 5'-TCTAATAACTTCTCCAGTTCCTTGATATGACGACTGACCTCCTTCAAGAGAAGTTTGAGC[C>T]GATTTCCAATAACATGGACTTTTTCTTTGGCTTCTAAACAGTCTGTTCCTTCAGCATTCA-3'
Protein context (NP_892006.3, residues 8631-8651): AKEKVHVIGN[Arg8641Gln]LKLLLKEVSR